The following is an entry in ClinVar:

NM_001953.5(TYMP):c.1413G>A (p.Ser471=)

Genes: SCO2 (synthesis of cytochrome C oxidase 2; minus strand), TYMP (thymidine phosphorylase; minus strand), LOC130067862 (ATAC-STARR-seq lymphoblastoid silent region 13986; plus strand). Cytogenetic location: 22q13.33.
Variant type: single nucleotide variant.
Coding change: c.1413G>A on transcript NM_001953.5 (MANE Select); coding-DNA position 1413, G replaced by A.
Protein change: p.Ser471=; no amino-acid change (serine 471 retained).
Molecular consequence: synonymous variant. On other transcripts: intron variant (2).
Genome position (GRCh38, 1-based): chr22:50,525,806, C>T on the plus strand (G>A on the coding strand, the complement: TYMP is on the minus strand). VCF-style: chr22-50525806-C-T. GRCh37 (hg19) VCF-style: chr22-50964235-C-T.
Other names: c.1413G>A, p.Ser471= (NM_001113755.3, NM_001113756.3, NM_001257988.1); c.1428G>A, p.Ser476= (NM_001257989.1); c.-14+440G>A (NM_001169109.2); c.-14+195G>A (NM_001169110.1).
Identifiers: ClinVar variation 1093392 (VCV001093392.12), dbSNP rs373094137, ClinGen allele CA10321402.

ClinVar aggregate classification (germline): Likely benign. Review status: criteria provided, multiple submitters, no conflicts (2 of 4 stars). 3 submissions from 3 submitters: Likely benign (2). 1 of the submissions does not count toward it. Last evaluated 2026-01-17.

Conditions:
TYMP-related disorder. Also called: TYMP-related condition.

Allele frequency attached by ClinVar (database versions not stated): ESP Exome Variant Server 0.00008; gnomAD 0.00005 and 0.00006; TOPMed 0.00012.
gnomAD v4.1: 116 of 1,610,556 alleles (0.0072%); highest among the groups gnomAD compares: Middle Eastern, 0.033%; 1 homozygote.

Submissions (3):

Labcorp Genetics (formerly Invitae), Labcorp
Classification: Likely benign. Last evaluated: 2026-01-17. Review status: criteria provided, single submitter. Criteria: Invitae Variant Classification Sherloc (09022015). Collection method: clinical testing. Allele origin: germline.

Breakthrough Genomics
Classification: Likely benign. Review status: criteria provided, single submitter. Criteria: ACMG Guidelines, 2015. Collection method: not provided. Allele origin: germline. Inheritance: Autosomal recessive inheritance. Affected: yes.

PreventionGenetics, part of Exact Sciences
Classification: Likely benign for TYMP-related condition. Last evaluated: 2023-08-11. Review status: no assertion criteria provided. Collection method: clinical testing. Allele origin: germline. Not counted in ClinVar's aggregate classification.
Comment: This variant is classified as likely benign based on ACMG/AMP sequence variant interpretation guidelines (Richards et al. 2015 PMID: 25741868, with internal and published modifications).